The following is an entry in ClinVar:

ClinVar aggregate classification (germline): Likely pathogenic (1 of 4 stars; one submission).

Conditions:
SERPINA1-related disorder. Also called: SERPINA1-related condition; SerpinA1-related disorders.

Allele frequency attached by ClinVar (database versions not stated): gnomAD exomes below 0.00001.
gnomAD v4.1: 2 of 1,611,188 alleles (0.00012%); highest among the groups gnomAD compares: Non-Finnish European, 0.00017%; no homozygotes.

Submission:

PreventionGenetics, part of Exact Sciences
Classification: Likely pathogenic for SERPINA1-related condition. Last evaluated: 2022-11-23. Review status: criteria provided, single submitter. Criteria: ACMG Guidelines, 2015. Collection method: clinical testing. Allele origin: germline.
Comment: The SERPINA1 c.221T>A variant is predicted to result in the amino acid substitution p.Ile74Asn. This variant, also described as Ile50Asn and I50N in the mature Alpha 1 Antitrypsin (AAT) protein, has been reported in two individuals with bronchiectasis and one individual with chronic diarrhea of unspecified etiology, all with reported low AAT serum levels (Carpagnano et al 2017. PubMed ID: 28668972; Matamala N et al 2018. PubMed ID: 29232161; Kueppers F et al 2019. PubMed ID: 31307431). When overexpressed in vitro, this variant formed intracellular polymers and did not secrete AAT protein (Matamala N et al 2018. PubMed ID: 29232161). This variant is reported in 0.00088% of alleles in individuals of European (Non-Finnish) descent in gnomAD. This variant is interpreted as likely pathogenic.

NM_000295.5(SERPINA1):c.221T>A (p.Ile74Asn)

Gene: SERPINA1 (serpin family A member 1; minus strand). Cytogenetic location: 14q32.13.
Variant type: single nucleotide variant.
Coding change: c.221T>A on transcript NM_000295.5 (MANE Select); coding-DNA position 221, T replaced by A.
Protein change: p.Ile74Asn; replaces isoleucine 74 with asparagine.
Molecular consequence: missense variant.
Genome position (GRCh38, 1-based): chr14:94,383,017, A>T on the plus strand (T>A on the coding strand, the complement: SERPINA1 is on the minus strand). VCF-style: chr14-94383017-A-T. GRCh37 (hg19) VCF-style: chr14-94849354-A-T.
Other names: c.221T>A, p.Ile74Asn (NM_001002235.3, NM_001002236.3, NM_001127700.2 and 7 more transcripts); short protein forms I74N.
Identifiers: ClinVar variation 2636546 (VCV002636546.1), dbSNP rs1275309068, ClinGen allele CA390850531.